The following is an entry in ClinVar:

ClinVar aggregate classification (germline): Pathogenic (1 of 4 stars; one submission).

Conditions:
Autosomal dominant intellectual disability-craniofacial anomalies-cardiac defects syndrome (ARTHS). Also called: KAT6A syndrome; Arboleda-Tham syndrome; Mental retardation, autosomal dominant 32. Identifiers: Orphanet 457193, MedGen C4225396, MONDO:0014558, OMIM 616268.

Submission:

Variantyx, Inc.
Classification: Pathogenic for Autosomal dominant intellectual disability-craniofacial anomalies-cardiac defects syndrome. Last evaluated: 2025-12-05. Review status: criteria provided, single submitter. Criteria: Variantyx Assertion Criteria 2022. Collection method: clinical testing. Allele origin: germline. Inheritance: Autosomal recessive inheritance. Affected: yes.
Comment: This is a frameshift variant in the KAT6A gene (OMIM: 601408). Pathogenic variants in this gene have been associated with autosomal dominant Arboleda-Tham syndrome. This variant introduces a premature termination codon in exon 12 out of 17 and is expected to result in loss of function, which is a known disease mechanism for KAT6A in this disorder (PMID: 30245513, 34930245, 32041641) (PVS1). This variant has a 0.0006% maximum allele frequency in non-founder control populations (PM2) and has not been reported in individuals with KAT6A-related disorders in the databases available for review. Based on the current evidence, this variant is classified as pathogenic for autosomal dominant Arboleda-Tham syndrome.

Literature cited by the submitters: PubMed 30245513; PubMed 34930245.

NM_006766.5(KAT6A):c.1907del (p.Lys636fs)

Gene: KAT6A (lysine acetyltransferase 6A; minus strand). Cytogenetic location: 8p11.21.
Variant type: Deletion.
Coding change: c.1907del on transcript NM_006766.5 (MANE Select); coding-DNA position 1907, one base deleted (A; older notation c.1907delA).
Protein change: p.Lys636fs; shifts the reading frame from lysine 636.
Molecular consequence: frameshift variant.
Genome position (GRCh38, 1-based): chr8:41,946,680, T deleted on the plus strand (A on the coding strand, the reverse complement: KAT6A is on the minus strand); the first of 4 consecutive T bases (chr8:41,946,680-41,946,683); deleting any one gives the same sequence. VCF-style (leftmost placement, unchanged base first): chr8-41946679-CT-C. GRCh37 (hg19) VCF-style: chr8-41804197-CT-C.
Other names: c.1907del, p.Lys636fs (NM_001305878.2); short protein forms K636fs.
Identifiers: ClinVar variation 4813765 (VCV004813765.1).